The following is an entry in ClinVar:

NM_007294.4(BRCA1):c.2324C>G (p.Thr775Ser)

Gene: BRCA1 (BRCA1 DNA repair associated; minus strand). Cytogenetic location: 17q21.31.
Variant type: single nucleotide variant.
Coding change: c.2324C>G on transcript NM_007294.4 (MANE Select); coding-DNA position 2324, C replaced by G.
Protein change: p.Thr775Ser; replaces threonine 775 with serine.
Molecular consequence: missense variant. On other transcripts: intron variant (137).
Genome position (GRCh38, 1-based): chr17:43,093,207, G>C on the plus strand (C>G on the coding strand, the complement: BRCA1 is on the minus strand). VCF-style: chr17-43093207-G-C. GRCh37 (hg19) VCF-style: chr17-41245224-G-C.
Other names: c.2324C>G, p.Thr775Ser (NM_001407581.1, NM_001407582.1, NM_001407583.1 and 30 more transcripts); c.2321C>G, p.Thr774Ser (NM_001407587.1, NM_001407590.1, NM_001407591.1 and 22 more transcripts); c.2111C>G, p.Thr704Ser (NM_001407571.1, NM_001407853.1, NM_001407894.1 and 9 more transcripts); c.2315C>G, p.Thr772Ser (NM_001407646.1, NM_001407647.1); c.2201C>G, p.Thr734Ser (NM_001407648.1, NM_001407664.1, NM_001407665.1 and 19 more transcripts); c.2198C>G, p.Thr733Ser (NM_001407649.1, NM_001407670.1, NM_001407671.1 and 11 more transcripts); c.2246C>G, p.Thr749Ser (NM_001407653.1, NM_001407654.1, NM_001407655.1 and 4 more transcripts); c.2243C>G, p.Thr748Ser (NM_001407659.1, NM_001407660.1, NM_001407661.1 and 1 more transcripts); and 41 more; short protein forms T663S, T708S, T727S, T748S, T607S, T647S, T648S, T686S.
Identifiers: ClinVar variation 2159540 (VCV002159540.6), dbSNP rs1567796086, ClinGen allele CA10597355.

ClinVar aggregate classification (germline): Conflicting classifications of pathogenicity. Review status: criteria provided, conflicting classifications (1 of 4 stars). 2 submissions from 2 submitters: Uncertain significance (1); Likely benign (1). Last evaluated 2023-03-23.

Conditions:
Hereditary breast ovarian cancer syndrome. Also called: Breast and ovarian cancer; BRCA1- and BRCA2-Associated Hereditary Breast and Ovarian Cancer; Hereditary breast and ovarian cancer; Hereditary breast and/or ovarian cancer syndrome; Hereditary breast and ovarian cancer syndrome; Hereditary breast and ovarian cancer syndrome (HBOC). Identifiers: Orphanet 145, MedGen C0677776, MeSH D061325, MONDO:0003582. Disease mechanism: loss of function.
Hereditary cancer-predisposing syndrome. Also called: Tumor predisposition; Hereditary neoplastic syndrome; Neoplastic Syndromes, Hereditary; Hereditary Cancer Syndrome. Identifiers: Orphanet 140162, MedGen C0027672, MeSH D009386, MONDO:0015356.

Allele frequency attached by ClinVar (database versions not stated): gnomAD exomes below 0.00001.
gnomAD v4.1: 1 of 1,613,832 alleles (0.000062%); highest among the groups gnomAD compares: East Asian, 0.0022%; no homozygotes.

Submissions (2):

University of Washington Department of Laboratory Medicine, University of Washington
Classification: Likely benign for Hereditary cancer-predisposing syndrome. Last evaluated: 2023-03-23. Review status: criteria provided, single submitter. Criteria: Dines et al. (Genet Med. 2020). Collection method: curation. Allele origin: germline.
Comment: Missense variant in a coldspot region where missense variants are very unlikely to be pathogenic (PMID:31911673).

BRCA1 coldspot (exon 11 using historical exon numbering). Reclassification based on statistical prior probability

Labcorp Genetics (formerly Invitae), Labcorp
Classification: Uncertain significance for Hereditary breast ovarian cancer syndrome. Last evaluated: 2022-01-16. Review status: criteria provided, single submitter. Criteria: Invitae Variant Classification Sherloc (09022015). Collection method: clinical testing. Allele origin: germline.
Comment: This sequence change replaces threonine, which is neutral and polar, with serine, which is neutral and polar, at codon 775 of the BRCA1 protein (p.Thr775Ser). This variant is not present in population databases (gnomAD no frequency). This variant has not been reported in the literature in individuals affected with BRCA1-related conditions. Advanced modeling of protein sequence and biophysical properties (such as structural, functional, and spatial information, amino acid conservation, physicochemical variation, residue mobility, and thermodynamic stability) performed at Invitae indicates that this missense variant is not expected to disrupt BRCA1 protein function. RNA analysis performed to evaluate the impact of this missense change on mRNA splicing indicates it does not significantly alter splicing (Invitae). In summary, the available evidence is currently insufficient to determine the role of this variant in disease. Therefore, it has been classified as a Variant of Uncertain Significance.